The following is an entry in ClinVar:

NM_001130965.3(SUN1):c.544G>A (p.Gly182Ser)

Gene: SUN1 (Sad1 and UNC84 domain containing 1; plus strand). Cytogenetic location: 7p22.3.
Variant type: single nucleotide variant.
Coding change: c.544G>A on transcript NM_001130965.3 (MANE Select); coding-DNA position 544, G replaced by A.
Protein change: p.Gly182Ser; replaces glycine 182 with serine.
Molecular consequence: missense variant. On other transcripts: synonymous variant (1), 5 prime UTR variant (3), non-coding transcript variant (3), intron variant (1).
Genome position (GRCh38, 1-based): chr7:843,406, G>A. VCF-style: chr7-843406-G-A. GRCh37 (hg19) VCF-style: chr7-883043-G-A.
Other names: c.394G>A, p.Gly132Ser (NM_001367679.1, NM_001367680.1, NM_001367681.1 and 24 more transcripts); c.544G>A, p.Gly182Ser (NM_001367682.1, NM_001367683.1, NM_001367685.1 and 32 more transcripts); c.607G>A, p.Gly203Ser (NM_001171945.2); c.87G>A, p.Thr29= (NM_001367635.1); c.-24G>A (NM_001367639.1, NM_001367708.1); c.763G>A, p.Gly255Ser (NM_001367651.1); c.-218G>A (NM_001367658.1); c.571G>A, p.Gly191Ser (NM_001367669.1); and 2 more; short protein forms G182S, G191S, G203S, G132S, G255S, G119S.
Identifiers: ClinVar variation 2900906 (VCV002900906.3), dbSNP rs746593009, ClinGen allele CA4111593.
Genomic context (GRCh38, chr7:843,406, plus strand): 5'-AATAAAGCTGCCATTCAGGGAAACGGGGATGTGGGAGCCGCCGCCGCCACCGCGCACAAC[G>A]GCTTCTCCTGCAGCAACTGCAGCATGCTGTCCGAGCGCAAGGACGTGCTCACGGCGCACC-3'
Protein context (NP_001124437.1, residues 172-192): VGAAAATAHN[Gly182Ser]FSCSNCSMLS

ClinVar aggregate classification (germline): Uncertain significance (1 of 4 stars; one submission).

Conditions:
Emery-Dreifuss muscular dystrophy (EDMD). Also called: Scapuloperoneal syndrome, X-linked (formerly); Humeroperoneal neuromuscular disease, (formerly). Identifiers: Orphanet 261, MedGen C0410189, MONDO:0016830.

Allele frequency attached by ClinVar (database versions not stated): TOPMed 0.00002; ExAC 0.00003; gnomAD 0.00003.
gnomAD v4.1: 18 of 1,613,270 alleles (0.0011%); highest among the groups gnomAD compares: African/African-American, 0.008%; no homozygotes.

Submission:

Labcorp Genetics (formerly Invitae), Labcorp
Classification: Uncertain significance for Emery-Dreifuss muscular dystrophy. Last evaluated: 2023-05-28. Review status: criteria provided, single submitter. Criteria: Invitae Variant Classification Sherloc (09022015). Collection method: clinical testing. Allele origin: germline.
Comment: In summary, the available evidence is currently insufficient to determine the role of this variant in disease. Therefore, it has been classified as a Variant of Uncertain Significance. An algorithm developed to predict the effect of missense changes on protein structure and function (PolyPhen-2) suggests that this variant is likely to be disruptive. This variant has not been reported in the literature in individuals affected with SUN1-related conditions. This variant is present in population databases (rs746593009, gnomAD 0.02%). This sequence change replaces glycine, which is neutral and non-polar, with serine, which is neutral and polar, at codon 182 of the SUN1 protein (p.Gly182Ser).